The following is an entry in ClinVar:

ClinVar aggregate classification (germline): Uncertain significance (1 of 4 stars; one submission).

Conditions:
Tuberous sclerosis 2 (TSC2). Identifiers: Orphanet 805, MedGen C1860707, MONDO:0013199, OMIM 613254.

Submission:

Labcorp Genetics (formerly Invitae), Labcorp
Classification: Uncertain significance for Tuberous sclerosis 2. Last evaluated: 2025-07-14. Review status: criteria provided, single submitter. Criteria: Invitae Variant Classification Sherloc (09022015). Collection method: clinical testing. Allele origin: germline.
Comment: This sequence change replaces glutamic acid, which is acidic and polar, with alanine, which is neutral and non-polar, at codon 787 of the TSC2 protein (p.Glu787Ala). This variant is not present in population databases (gnomAD no frequency). This variant has not been reported in the literature in individuals affected with TSC2-related conditions. ClinVar contains an entry for this variant (Variation ID: 1992196). Invitae Evidence Modeling of protein sequence and biophysical properties (such as structural, functional, and spatial information, amino acid conservation, physicochemical variation, residue mobility, and thermodynamic stability) indicates that this missense variant is not expected to disrupt TSC2 protein function with a negative predictive value of 95%. In summary, the available evidence is currently insufficient to determine the role of this variant in disease. Therefore, it has been classified as a Variant of Uncertain Significance.

NM_000548.5(TSC2):c.2360A>C (p.Glu787Ala)

Gene: TSC2 (TSC complex subunit 2; plus strand). Cytogenetic location: 16p13.3.
Variant type: single nucleotide variant.
Coding change: c.2360A>C on transcript NM_000548.5 (MANE Select); coding-DNA position 2360, A replaced by C.
Protein change: p.Glu787Ala; replaces glutamic acid 787 with alanine.
Molecular consequence: missense variant.
Genome position (GRCh38, 1-based): chr16:2,074,204, A>C. VCF-style: chr16-2074204-A-C. GRCh37 (hg19) VCF-style: chr16-2124205-A-C.
Other names: c.1760A>C, p.Glu587Ala (NM_001406680.1, NM_001406682.1, NM_001406683.1 and 6 more transcripts); c.1898A>C, p.Glu633Ala (NM_001406681.1); c.1016A>C, p.Glu339Ala (NM_001406689.1, NM_001406690.1, NM_001406691.1 and 6 more transcripts); c.2360A>C, p.Glu787Ala (NM_001077183.3, NM_001114382.3, NM_001363528.2 and 6 more transcripts); c.2249A>C, p.Glu750Ala (NM_001318827.2, NM_001406670.1, NM_001406678.1); c.2213A>C, p.Glu738Ala (NM_001318829.2, NM_001406675.1, NM_001406676.1 and 1 more transcripts); c.2393A>C, p.Glu798Ala (NM_001318832.2); c.2450A>C, p.Glu817Ala (NM_001406667.1, NM_001406668.1); and 3 more; short protein forms E339A, E798A, E253A, E587A, E633A, E738A, E768A, E817A.
Identifiers: ClinVar variation 1992196 (VCV001992196.4), dbSNP rs2151346551, ClinGen allele CA394276943.
Genomic context (GRCh38, chr16:2,074,204, plus strand): 5'-GGCGAGGCTGCCTCTGCTGCAAGCGGGTGGGGCCTGAGGTGTCCTGTCTCCTGCAGCGCG[A>C]GATGGTCTACTGCCTGGAGCAGGGCCTCATCCACCGCTGTGCCAGCCAGTGCGTCGTGGC-3'
Protein context (NP_000539.2, residues 777-797): HNYLDKTKQR[Glu787Ala]MVYCLEQGLI